The following is an entry in ClinVar:

ClinVar aggregate classification (germline): Uncertain significance (1 of 4 stars; one submission).

Submission:

GeneDx
Classification: Uncertain significance. Last evaluated: 2019-04-10. Review status: criteria provided, single submitter. Criteria: GeneDx Variant Classification Process June 2021. Collection method: clinical testing. Allele origin: germline. Affected: yes.
Comment: Not observed in large population cohorts (Lek et al., 2016); In-frame deletion of 1 amino acid in a non-repeat region; In silico analysis, which includes protein predictors and evolutionary conservation, supports a deleterious effect; Has not been previously published as pathogenic or benign to our knowledge

NM_001256627.2(BRSK2):c.1127GGC[1] (p.Arg377del)

Gene: BRSK2 (BR serine/threonine kinase 2; plus strand). Cytogenetic location: 11p15.5.
Variant type: Microsatellite.
Coding change: c.1127GGC[1] on transcript NM_001256627.2 (MANE Select); one copy of the 3-base unit GGC starting at c.1127; the reference has two copies in a row; one copy, 3 bases deleted.
Protein change: p.Arg377del; deletes arginine 377.
Molecular consequence: inframe deletion. On other transcripts: non-coding transcript variant (1).
Genome position (GRCh38, 1-based): chr11:1,445,811-1,445,813, GGC deleted; deleting any 3 consecutive bases within chr11:1,445,806-1,445,813 gives the same sequence; the position shown is the placement nearest the transcript's 3' end. VCF-style (leftmost placement, unchanged base first): chr11-1445805-AGCG-A. GRCh37 (hg19) VCF-style: chr11-1467035-AGCG-A.
Other names: c.1127GGC[1], p.Arg377del (NM_001256629.2, NM_003957.4); c.1265GGC[1], p.Arg423del (NM_001256630.1); c.947GGC[1], p.Arg317del (NM_001282218.2); short protein forms R317del, R377del, R423del.
Identifiers: ClinVar variation 1308426 (VCV001308426.2), dbSNP rs2133125134, ClinGen allele CA2580616893.